The following is an entry in ClinVar:

NM_000154.2(GALK1):c.1098_1100del (p.His367del)

Gene: GALK1 (galactokinase 1; minus strand). Cytogenetic location: 17q25.1.
Variant type: Deletion.
Coding change: c.1098_1100del on transcript NM_000154.2 (MANE Select); coding-DNA positions 1098 to 1100, 3 bases deleted (GCA; older notation c.1098_1100delGCA).
Protein change: p.His367del; deletes histidine 367.
Molecular consequence: inframe deletion.
Genome position (GRCh38, 1-based): chr17:75,758,217-75,758,219, TGC deleted on the plus strand (GCA on the coding strand, the reverse complement: GALK1 is on the minus strand). VCF-style (leftmost placement, unchanged base first): chr17-75758216-GTGC-G. GRCh37 (hg19) VCF-style: chr17-73754297-GTGC-G.
Other names: c.1098_1100del, p.His367del (NM_001381985.1); short protein forms H367del.
Identifiers: ClinVar variation 4732644 (VCV004732644.1).

ClinVar aggregate classification (germline): Uncertain significance (1 of 4 stars; one submission).

Conditions:
Deficiency of galactokinase. Also called: Galactokinase deficiency with cataracts; GALACTOSEMIA II. Identifiers: Orphanet 352, Orphanet 79237, MedGen C0268155, MONDO:0009255, OMIM 230200.

Submission:

Labcorp Genetics (formerly Invitae), Labcorp
Classification: Uncertain significance for Deficiency of galactokinase. Last evaluated: 2025-12-17. Review status: criteria provided, single submitter. Criteria: Invitae Variant Classification Sherloc (09022015). Collection method: clinical testing. Allele origin: germline.
Comment: This variant, c.1098_1100del, results in the deletion of 1 amino acid(s) of the GALK1 protein (p.His367del), but otherwise preserves the integrity of the reading frame. This variant is not present in population databases (gnomAD no frequency). This variant has not been reported in the literature in individuals affected with GALK1-related conditions. Experimental studies and prediction algorithms are not available or were not evaluated, and the functional significance of this variant is currently unknown. In summary, the available evidence is currently insufficient to determine the role of this variant in disease. Therefore, it has been classified as a Variant of Uncertain Significance.